The following is an entry in ClinVar:

NM_153741.2(DPM3):c.184G>C (p.Ala62Pro)

Gene: DPM3 (dolichyl-phosphate mannosyltransferase subunit 3, regulatory; minus strand). Cytogenetic location: 1q22.
Variant type: single nucleotide variant.
Coding change: c.184G>C on transcript NM_153741.2 (MANE Select); coding-DNA position 184, G replaced by C.
Protein change: p.Ala62Pro; replaces alanine 62 with proline.
Molecular consequence: missense variant.
Genome position (GRCh38, 1-based): chr1:155,140,057, C>G on the plus strand (G>C on the coding strand, the complement: DPM3 is on the minus strand). VCF-style: chr1-155140057-C-G. GRCh37 (hg19) VCF-style: chr1-155112533-C-G.
Other names: c.274G>C, p.Ala92Pro (NM_018973.4); short protein forms A92P, A62P.
Identifiers: ClinVar variation 1407462 (VCV001407462.6), dbSNP rs2102491677, ClinGen allele CA342663285.

ClinVar aggregate classification (germline): Uncertain significance (1 of 4 stars; one submission).

Conditions:
DPM3-congenital disorder of glycosylation (MDDGC15). Also called: CDG Io; CDG1(DPM3); MUSCULAR DYSTROPHY-DYSTROGLYCANOPATHY (LIMB-GIRDLE), TYPE C, 15; DPM3-CDG. Identifiers: Orphanet 263494, MedGen C2752007, MONDO:0013049, OMIM 612937.

Submission:

Labcorp Genetics (formerly Invitae), Labcorp
Classification: Uncertain significance for DPM3-congenital disorder of glycosylation. Last evaluated: 2021-08-04. Review status: criteria provided, single submitter. Criteria: Invitae Variant Classification Sherloc (09022015). Collection method: clinical testing. Allele origin: germline.
Comment: This sequence change replaces alanine with proline at codon 62 of the DPM3 protein (p.Ala62Pro). The alanine residue is highly conserved and there is a small physicochemical difference between alanine and proline. This variant is not present in population databases (ExAC no frequency). This variant has not been reported in the literature in individuals affected with DPM3-related conditions. Algorithms developed to predict the effect of missense changes on protein structure and function are either unavailable or do not agree on the potential impact of this missense change (SIFT: "Tolerated"; PolyPhen-2: "Probably Damaging"; Align-GVGD: "Class C0"). In summary, the available evidence is currently insufficient to determine the role of this variant in disease. Therefore, it has been classified as a Variant of Uncertain Significance.